The following is an entry in ClinVar:

ClinVar aggregate classification (germline): Conflicting classifications of pathogenicity. Review status: criteria provided, conflicting classifications (1 of 4 stars). 5 submissions from 5 submitters: Uncertain significance (3); Likely benign (2). Last evaluated 2025-12-22.

Conditions:
Catecholaminergic polymorphic ventricular tachycardia 1. Also called: RYR2-Related Catecholaminergic Polymorphic Ventricular Tachycardia; VENTRICULAR TACHYCARDIA, CATECHOLAMINERGIC POLYMORPHIC, 1, WITH OR WITHOUT ATRIAL DYSFUNCTION AND/OR DILATED CARDIOMYOPATHY; VENTRICULAR TACHYCARDIA, STRESS-INDUCED POLYMORPHIC 1. Identifiers: Orphanet 3286, MedGen C1631597, MONDO:0011484, OMIM 604772.
Cardiovascular phenotype. Identifiers: MedGen CN230736.
Cardiomyopathy (CMYO). Also called: Cardiomyopathies. Identifiers: Orphanet 167848, MedGen C0878544, MONDO:0004994, HP:0001638. Inheritance: Various modes of inheritance.
Catecholaminergic polymorphic ventricular tachycardia (CVPT). Also called: Catecholamine-induced polymorphic ventricular tachycardia. Identifiers: Orphanet 3286, MedGen C5574922, MONDO:0017990.

Allele frequency attached by ClinVar (database versions not stated): 1000 Genomes Project below 0.00001; TOPMed 0.00001; gnomAD 0.00002; gnomAD exomes 0.00002 and 0.00004; ExAC 0.00012.
gnomAD v4.1: 32 of 1,611,300 alleles (0.002%); highest among the groups gnomAD compares: South Asian, 0.025%; no homozygotes.

Submissions (5):

Labcorp Genetics (formerly Invitae), Labcorp
Classification: Likely benign for Catecholaminergic polymorphic ventricular tachycardia 1. Last evaluated: 2025-12-22. Review status: criteria provided, single submitter. Criteria: Invitae Variant Classification Sherloc (09022015). Collection method: clinical testing. Allele origin: germline.

Ambry Genetics
Classification: Uncertain significance for Cardiovascular phenotype. Last evaluated: 2025-10-30. Review status: criteria provided, single submitter. Criteria: Ambry Variant Classification Scheme 2023. Collection method: clinical testing. Allele origin: germline.
Comment: The p.A2817T variant (also known as c.8449G>A), located in coding exon 57 of the RYR2 gene, results from a G to A substitution at nucleotide position 8449. The alanine at codon 2817 is replaced by threonine, an amino acid with similar properties. This amino acid position is not well conserved in available vertebrate species. In addition, this alteration is predicted to be tolerated by in silico analysis. Based on the available evidence, the clinical significance of this variant remains unclear.

Color Diagnostics, LLC DBA Color Health
Classification: Likely benign for Cardiomyopathy. Last evaluated: 2025-07-14. Review status: criteria provided, single submitter. Criteria: ACMG Guidelines, 2015. Collection method: clinical testing. Allele origin: germline.

GeneDx
Classification: Uncertain significance. Last evaluated: 2024-11-12. Review status: criteria provided, single submitter. Criteria: GeneDx Variant Classification Process June 2021. Collection method: clinical testing. Allele origin: germline. Affected: yes.
Comment: Has not been previously published as pathogenic or benign to our knowledge; In silico analysis indicates that this missense variant does not alter protein structure/function; This variant is associated with the following publications: (PMID: 19926015)

All of Us Research Program, National Institutes of Health
Classification: Uncertain significance for Catecholaminergic polymorphic ventricular tachycardia. Last evaluated: 2023-11-30. Review status: criteria provided, single submitter. Criteria: ACMG Guidelines, 2015. Collection method: clinical testing. Allele origin: germline. Inheritance: Autosomal dominant inheritance. Observed: 3 variant alleles, 3 heterozygotes.
Comment: This missense variant replaces alanine with threonine at codon 2817 of the RYR2 protein. Computational prediction is inconclusive regarding the impact of this variant on protein structure and function (internally defined REVEL score threshold 0.5 < inconclusive < 0.7, PMID: 27666373). To our knowledge, functional studies have not been reported for this variant. This variant has not been reported in individuals affected with cardiovascular disorders in the literature. This variant has been identified in 11/246030 chromosomes in the general population by the Genome Aggregation Database (gnomAD). The available evidence is insufficient to determine the role of this variant in disease conclusively. Therefore, this variant is classified as a Variant of Uncertain Significance.

This study involves interpretation of variants in research participants for the purpose of population health screening. Participant phenotype was not available at the time of variant classification. Additional details can be found in publication PMID: 35346344, PMCID: PMC8962531

NM_001035.3(RYR2):c.8449G>A (p.Ala2817Thr)

Gene: RYR2 (ryanodine receptor 2; plus strand). Cytogenetic location: 1q43.
Variant type: single nucleotide variant.
Coding change: c.8449G>A on transcript NM_001035.3 (MANE Select); coding-DNA position 8449, G replaced by A.
Protein change: p.Ala2817Thr; replaces alanine 2817 with threonine.
Molecular consequence: missense variant.
Genome position (GRCh38, 1-based): chr1:237,666,524, G>A. VCF-style: chr1-237666524-G-A. GRCh37 (hg19) VCF-style: chr1-237829824-G-A.
Other names: c.8449G>A, p.Ala2817Thr (LRG_402t1); short protein forms A2817T.
Identifiers: ClinVar variation 629671 (VCV000629671.21), dbSNP rs527576067, ClinGen allele CA087629.